The following is an entry in ClinVar:

ClinVar aggregate classification (germline): Benign/Likely benign. Review status: criteria provided, multiple submitters, no conflicts (2 of 4 stars). 2 submissions from 2 submitters: Benign (1); Likely benign (1). Last evaluated 2025-11-05.

Allele frequency attached by ClinVar (database versions not stated): TOPMed 0.00011; gnomAD 0.00013 and 0.00015; ESP Exome Variant Server 0.00015; gnomAD exomes 0.00015 and 0.00028; ExAC 0.00024.
gnomAD v4.1: 248 of 1,614,002 alleles (0.015%); highest among the groups gnomAD compares: Non-Finnish European, 0.0054%; 1 homozygote.

Submissions (2):

Labcorp Genetics (formerly Invitae), Labcorp
Classification: Benign. Last evaluated: 2025-11-05. Review status: criteria provided, single submitter. Criteria: Invitae Variant Classification Sherloc (09022015). Collection method: clinical testing. Allele origin: germline.

CeGaT Center for Human Genetics Tuebingen
Classification: Likely benign. Last evaluated: 2022-09-01. Review status: criteria provided, single submitter. Criteria: CeGaT Center For Human Genetics Tuebingen Variant Classification Criteria Version 2. Collection method: clinical testing. Allele origin: germline. Affected: yes. Observed: 1 variant allele.
Comment: SON: BP4

NM_138927.4(SON):c.788T>C (p.Val263Ala)

Gene: SON (SON DNA and RNA binding protein; plus strand). Cytogenetic location: 21q22.11.
Variant type: single nucleotide variant.
Coding change: c.788T>C on transcript NM_138927.4 (MANE Select); coding-DNA position 788, T replaced by C.
Protein change: p.Val263Ala; replaces valine 263 with alanine.
Molecular consequence: missense variant. On other transcripts: non-coding transcript variant (1), intron variant (1).
Genome position (GRCh38, 1-based): chr21:33,550,019, T>C. VCF-style: chr21-33550019-T-C. GRCh37 (hg19) VCF-style: chr21-34922325-T-C.
Other names: c.788T>C, p.Val263Ala (NM_001291411.2, NM_032195.3); c.244+3640T>C (NM_001291412.3); short protein forms V263A.
Identifiers: ClinVar variation 751581 (VCV000751581.34), dbSNP rs201714133, ClinGen allele CA10008749.